The following is an entry in ClinVar:

NM_000245.4(MET):c.2905G>C (p.Val969Leu)

Gene: MET (MET proto-oncogene, receptor tyrosine kinase; plus strand). Cytogenetic location: 7q31.2.
Variant type: single nucleotide variant.
Coding change: c.2905G>C on transcript NM_000245.4 (MANE Select); coding-DNA position 2905, G replaced by C.
Protein change: p.Val969Leu; replaces valine 969 with leucine.
Molecular consequence: missense variant.
Genome position (GRCh38, 1-based): chr7:116,771,866, G>C. VCF-style: chr7-116771866-G-C. GRCh37 (hg19) VCF-style: chr7-116411920-G-C.
Other names: c.2959G>C, p.Val987Leu (NM_001127500.3); c.1615G>C, p.Val539Leu (NM_001324402.2); short protein forms V539L, V969L, V987L.
Identifiers: ClinVar variation 862493 (VCV000862493.11), dbSNP rs757925979, ClinGen allele CA4448613.

ClinVar aggregate classification (germline): Conflicting classifications of pathogenicity. Review status: criteria provided, conflicting classifications (1 of 4 stars). 2 submissions from 2 submitters: Uncertain significance (1); Likely benign (1). Last evaluated 2025-09-28.

Conditions:
Hereditary cancer-predisposing syndrome. Also called: Tumor predisposition; Hereditary neoplastic syndrome; Neoplastic Syndromes, Hereditary; Hereditary Cancer Syndrome. Identifiers: Orphanet 140162, MedGen C0027672, MeSH D009386, MONDO:0015356.
Renal cell carcinoma. Identifiers: Orphanet 217071, MedGen C0007134, MeSH D002292, MONDO:0005086, HP:0005584.

Allele frequency attached by ClinVar (database versions not stated): ExAC 0.00001; gnomAD exomes 0.00001.
gnomAD v4.1: 2 of 1,613,840 alleles (0.00012%); highest among the groups gnomAD compares: East Asian, 0.0045%; no homozygotes.

Submissions (2):

Labcorp Genetics (formerly Invitae), Labcorp
Classification: Uncertain significance for Renal cell carcinoma. Last evaluated: 2025-09-28. Review status: criteria provided, single submitter. Criteria: Invitae Variant Classification Sherloc (09022015). Collection method: clinical testing. Allele origin: germline.
Comment: This sequence change replaces valine, which is neutral and non-polar, with leucine, which is neutral and non-polar, at codon 987 of the MET protein (p.Val987Leu). This variant is present in population databases (rs757925979, gnomAD 0.01%). This variant has not been reported in the literature in individuals affected with MET-related conditions. ClinVar contains an entry for this variant (Variation ID: 862493). An algorithm developed to predict the effect of missense changes on protein structure and function (PolyPhen-2) suggests that this variant is likely to be disruptive. In summary, the available evidence is currently insufficient to determine the role of this variant in disease. Therefore, it has been classified as a Variant of Uncertain Significance.

Ambry Genetics
Classification: Likely benign for Hereditary cancer-predisposing syndrome. Last evaluated: 2024-05-18. Review status: criteria provided, single submitter. Criteria: Ambry Variant Classification Scheme 2023. Collection method: clinical testing. Allele origin: germline.